The following is an entry in ClinVar:

ClinVar aggregate classification (germline): Likely pathogenic (1 of 4 stars; one submission).

Conditions:
DNMT3A-related disorder. Also called: DNMT3A-related disorders; DNMT3A-related condition.

Submission:

PreventionGenetics, part of Exact Sciences
Classification: Likely pathogenic for DNMT3A-related condition. Last evaluated: 2025-09-02. Review status: criteria provided, single submitter. Criteria: ACMG Guidelines, 2015. Collection method: clinical testing. Allele origin: germline.
Comment: The DNMT3A c.1980C>A variant is predicted to result in premature protein termination (p.Tyr660*). To our knowledge, this variant has not been reported in the literature or in a large population database (gnomAD), indicating this variant is rare. Nonsense variants in DNMT3A are expected to be pathogenic. This variant is interpreted as likely pathogenic.

NM_022552.5(DNMT3A):c.1980C>A (p.Tyr660Ter)

Gene: DNMT3A (DNA methyltransferase 3 alpha; minus strand). Cytogenetic location: 2p23.3.
Variant type: single nucleotide variant.
Coding change: c.1980C>A on transcript NM_022552.5 (MANE Select); coding-DNA position 1980, C replaced by A.
Protein change: p.Tyr660Ter; replaces tyrosine 660 with a stop codon.
Molecular consequence: nonsense. On other transcripts: non-coding transcript variant (1).
Genome position (GRCh38, 1-based): chr2:25,241,664, G>T on the plus strand (C>A on the coding strand, the complement: DNMT3A is on the minus strand). VCF-style: chr2-25241664-G-T. GRCh37 (hg19) VCF-style: chr2-25464533-G-T.
Other names: c.1524C>A, p.Tyr508Ter (NM_001320893.1); c.1311C>A, p.Tyr437Ter (NM_001375819.1); c.1413C>A, p.Tyr471Ter (NM_153759.3); c.1980C>A, p.Tyr660Ter (NM_175629.2); short protein forms Y437*, Y471*, Y660*, Y508*.
Identifiers: ClinVar variation 4991359 (VCV004991359.1).